The following is an entry in ClinVar:

ClinVar aggregate classification (germline): Uncertain significance (1 of 4 stars; one submission).

Conditions:
Arthrogryposis, distal, with impaired proprioception and touch (DAIPT). Identifiers: MedGen C4310692, MONDO:0014941, OMIM 617146.

Submission:

Victorian Clinical Genetics Services, Murdoch Childrens Research Institute
Classification: Uncertain significance for Arthrogryposis, distal, with impaired proprioception and touch. Last evaluated: 2026-03-04. Review status: criteria provided, single submitter. Criteria: ACMG Guidelines, 2015. Collection method: clinical testing. Allele origin: germline. Affected: yes.
Comment: This variant is classified as VUS-3A. Evidence in support of pathogenic classification: Non-canonical splice site variant without proven consequence on splicing (no functional evidence available). This variant affects the last nucleotide of exon 21 of 56, and may impact splicing. No functional evidence is currently available to determine the consequence on splicing; Variant is absent from gnomAD (v2, v3 and v4). Additional information: This variant is homozygous; This gene is associated with both recessive and dominant disease; This variant has no previous evidence of pathogenicity; No published evidence of segregation with disease has been identified for this variant; No published functional evidence has been identified for this variant; No comparable variants at the same nucleotide position have previous evidence for pathogenicity; In silico prediction for abnormal splicing and nucleotide conservation are conflicting; Loss of function and gain of function are known mechanisms of disease in this gene and are associated with arthrogryposis (OMIM). Loss of function has generally been shown to be caused by NMD-predicted variants, whereas gain of function has generally been associated with missense variants clustered in the C-terminal (PMID: 30988732); This variant has been shown to be both maternally and paternally inherited (biallelic).

Literature cited by the submitters: PubMed 30988732.

NM_001378183.1(PIEZO2):c.2946G>A (p.Glu982=)

Genes: PIEZO2 (piezo type mechanosensitive ion channel component 2; minus strand), LOC126862696 (BRD4-independent group 4 enhancer GRCh37_chr18:10769534-10770733; plus strand). Cytogenetic location: 18p11.22.
Variant type: single nucleotide variant.
Coding change: c.2946G>A on transcript NM_001378183.1 (MANE Select); coding-DNA position 2946, G replaced by A.
Protein change: p.Glu982=; no amino-acid change (glutamic acid 982 retained).
Molecular consequence: synonymous variant.
Genome position (GRCh38, 1-based): chr18:10,770,148, C>T on the plus strand (G>A on the coding strand, the complement: PIEZO2 is on the minus strand). VCF-style: chr18-10770148-C-T. GRCh37 (hg19) VCF-style: chr18-10770146-C-T.
Other names: c.2946G>A, p.Glu982= (NM_001410871.1); c.2871G>A, p.Glu957= (NM_022068.4).
Identifiers: ClinVar variation 4818953 (VCV004818953.3).
Genomic context (GRCh38, chr18:10,770,148, plus strand): 5'-GGAAAATGATGACCTACTGTGGTTCTGTTCAGCCTGATGATAGGACAAATGTTCACTTGC[C>T]TCTTTCACAGAAACCCAGATAATGTAAGAGGAAACGATTTTGATGATGTGCAACTCCAAA-3'
Protein context (NP_001365112.1, residues 972-992): SSYIIWVSVK[Glu982=]VSLFNYVFLI